The following is an entry in ClinVar:

NM_001232.4(CASQ2):c.769A>G (p.Met257Val)

Gene: CASQ2 (calsequestrin 2; minus strand). Cytogenetic location: 1p13.1.
Variant type: single nucleotide variant.
Coding change: c.769A>G on transcript NM_001232.4 (MANE Select); coding-DNA position 769, A replaced by G.
Protein change: p.Met257Val; replaces methionine 257 with valine.
Molecular consequence: missense variant.
Genome position (GRCh38, 1-based): chr1:115,725,522, T>C on the plus strand (A>G on the coding strand, the complement: CASQ2 is on the minus strand). VCF-style: chr1-115725522-T-C. GRCh37 (hg19) VCF-style: chr1-116268143-T-C.
Other names: short protein forms M257V.
Identifiers: ClinVar variation 3485297 (VCV003485297.1).

ClinVar aggregate classification (germline): Uncertain significance (1 of 4 stars; one submission).

Conditions:
Cardiovascular phenotype. Identifiers: MedGen CN230736.

Submission:

Ambry Genetics
Classification: Uncertain significance for Cardiovascular phenotype. Last evaluated: 2024-10-21. Review status: criteria provided, single submitter. Criteria: Ambry Variant Classification Scheme 2023. Collection method: clinical testing. Allele origin: germline.
Comment: The p.M257V variant (also known as c.769A>G), located in coding exon 7 of the CASQ2 gene, results from an A to G substitution at nucleotide position 769. The methionine at codon 257 is replaced by valine, an amino acid with highly similar properties. This amino acid position is conserved. In addition, this alteration is predicted to be deleterious by in silico analysis. Based on the available evidence, the clinical significance of this variant remains unclear.